The following is an entry in ClinVar:

ClinVar aggregate classification (germline): Conflicting classifications of pathogenicity. Review status: criteria provided, conflicting classifications (1 of 4 stars). 24 submissions from 20 submitters: Uncertain significance (1); Benign (12); Likely benign (6). 5 of the submissions do not count toward it. Last evaluated 2026-02-03.

Conditions:
Dilated cardiomyopathy 1G (CMD1G). Identifiers: Orphanet 154, MedGen C1858763, MONDO:0011400, OMIM 604145.
Autosomal recessive limb-girdle muscular dystrophy type 2J (LGMDR10). Also called: MUSCULAR DYSTROPHY, LIMB-GIRDLE, AUTOSOMAL RECESSIVE 10; Limb-girdle muscular dystrophy, type 2J. Identifiers: Orphanet 140922, MedGen C1837342, MONDO:0012127, OMIM 608807.
Cardiomyopathy (CMYO). Also called: Cardiomyopathies. Identifiers: Orphanet 167848, MedGen C0878544, MONDO:0004994, HP:0001638. Inheritance: Various modes of inheritance.
Early-onset myopathy with fatal cardiomyopathy (CMYO5). Also called: CONGENITAL MYOPATHY 5 WITH CARDIOMYOPATHY; Salih Myopathy. Identifiers: Orphanet 289377, MedGen C2673677, MONDO:0012714, OMIM 611705. Disease mechanism: loss of function.
Myopathy, myofibrillar, 9, with early respiratory failure (MFM9). Also called: Myopathy, distal, with early respiratory failure, autosomal dominant; Hereditary myopathy with early respiratory failure; MYOPATHY, PROXIMAL, WITH EARLY RESPIRATORY MUSCLE INVOLVEMENT; EDSTROM MYOPATHY. Identifiers: Orphanet 178464, Orphanet 34521, MedGen C1863599, MONDO:0011362, OMIM 603689.
Primary dilated cardiomyopathy (DCM). Also called: Dilated Cardiomyopathy. Identifiers: Orphanet 217604, MedGen C0007193, MeSH D002311, MONDO:0005021, HP:0001644. Inheritance: Various modes of inheritance.
Tibial muscular dystrophy (TMD). Also called: Udd Distal Myopathy – Tibial Muscular Dystrophy; Tibial muscular dystrophy, tardive; UDD MYOPATHY. Identifiers: Orphanet 609, MedGen C1838244, MONDO:0010870, OMIM 600334.

Allele frequency attached by ClinVar (database versions not stated): TOPMed 0.00110; gnomAD 0.00183 and 0.00113; 1000 Genomes Project 0.00599; 1000 Genomes Project 30x 0.00593; ESP Exome Variant Server 0.00152; gnomAD exomes 0.00204 and 0.00345; ExAC 0.00441.
gnomAD v4.1: 3,191 of 1,561,344 alleles (0.2%); highest among the groups gnomAD compares: South Asian, 2.1%; 44 homozygotes.

Submissions (24):

Labcorp Genetics (formerly Invitae), Labcorp
Classification: Benign for Dilated cardiomyopathy 1G; Autosomal recessive limb-girdle muscular dystrophy type 2J. Last evaluated: 2026-02-03. Review status: criteria provided, single submitter. Criteria: Invitae Variant Classification Sherloc (09022015). Collection method: clinical testing. Allele origin: germline.

Mayo Clinic Laboratories, Mayo Clinic
Classification: Benign. Last evaluated: 2025-09-17. Review status: criteria provided, single submitter. Criteria: ACMG Guidelines, 2015. Collection method: clinical testing. Allele origin: germline. Observed: 9 variant alleles.
Comment: BS1, BS2

ARUP Laboratories, Molecular Genetics and Genomics, ARUP Laboratories
Classification: Benign. Last evaluated: 2025-06-23. Review status: criteria provided, single submitter. Criteria: ARUP Molecular Germline Variant Investigation Process 2024. Collection method: clinical testing. Allele origin: germline.

Molecular Diagnostic Laboratory for Inherited Cardiovascular Disease, Montreal Heart Institute
Classification: Benign. Last evaluated: 2025-04-09. Review status: criteria provided, single submitter. Criteria: ACMG Guidelines, 2015. Collection method: clinical testing. Allele origin: germline. Affected: no.

Athena Diagnostics
Classification: Benign. Last evaluated: 2025-01-21. Review status: criteria provided, single submitter. Criteria: Athena Diagnostics Criteria. Collection method: clinical testing. Allele origin: unknown.
Comment: The frequency of this variant in the general population is higher than would generally be expected for pathogenic variants in this gene.

Blueprint Genetics
Classification: Likely benign. Last evaluated: 2024-11-26. Review status: criteria provided, single submitter. Criteria: ACMG Guidelines, 2015. Collection method: clinical testing. Allele origin: germline.

Women's Health and Genetics/Laboratory Corporation of America, LabCorp
Classification: Likely benign. Last evaluated: 2020-01-06. Review status: criteria provided, single submitter. Criteria: LabCorp Variant Classification Summary - May 2015. Collection method: clinical testing. Allele origin: germline.

CHEO Genetics Diagnostic Laboratory, Children's Hospital of Eastern Ontario
Classification: Benign for Cardiomyopathy. Last evaluated: 2019-05-30. Review status: criteria provided, single submitter. Criteria: ACMG Guidelines, 2015. Collection method: clinical testing. Allele origin: germline.

Illumina Laboratory Services, Illumina
Classification: Likely benign for Autosomal recessive limb-girdle muscular dystrophy type 2J. Last evaluated: 2018-01-12. Review status: criteria provided, single submitter. Criteria: ICSL Variant Classification Criteria 13 December 2019. Collection method: clinical testing. Allele origin: germline.
Comment: This variant was observed in the ICSL laboratory as part of a predisposition screen in an ostensibly healthy population. It had not been previously curated by ICSL or reported in the Human Gene Mutation Database (HGMD: prior to June 1st, 2018), and was therefore a candidate for classification through an automated scoring system. Utilizing variant allele frequency, disease prevalence and penetrance estimates, and inheritance mode, an automated score was calculated to assess if this variant is too frequent to cause the disease. Based on the score and internal cut-off values, a variant classified as likely benign is not then subjected to further curation. The score for this variant resulted in a classification of likely benign for this disease.

Illumina Laboratory Services, Illumina
Classification: Benign for Tibial muscular dystrophy. Last evaluated: 2018-01-12. Review status: criteria provided, single submitter. Criteria: ICSL Variant Classification Criteria 13 December 2019. Collection method: clinical testing. Allele origin: germline.
Comment: This variant was observed in the ICSL laboratory as part of a predisposition screen in an ostensibly healthy population. It had not been previously curated by ICSL or reported in the Human Gene Mutation Database (HGMD: prior to June 1st, 2018), and was therefore a candidate for classification through an automated scoring system. Utilizing variant allele frequency, disease prevalence and penetrance estimates, and inheritance mode, an automated score was calculated to assess if this variant is too frequent to cause the disease. Based on the score and internal cut-off values, a variant classified as benign is not then subjected to further curation. The score for this variant resulted in a classification of benign for this disease.

Illumina Laboratory Services, Illumina
Classification: Likely benign for Dilated cardiomyopathy 1G. Last evaluated: 2018-01-12. Review status: criteria provided, single submitter. Criteria: ICSL Variant Classification Criteria 13 December 2019. Collection method: clinical testing. Allele origin: germline.
Comment: the same text as in the submission from Illumina Laboratory Services, Illumina above.

Illumina Laboratory Services, Illumina
Classification: Likely benign for Early-onset myopathy with fatal cardiomyopathy. Last evaluated: 2018-01-12. Review status: criteria provided, single submitter. Criteria: ICSL Variant Classification Criteria 13 December 2019. Collection method: clinical testing. Allele origin: germline.
Comment: the same text as in the submission from Illumina Laboratory Services, Illumina above.

Illumina Laboratory Services, Illumina
Classification: Benign for Myopathy, myofibrillar, 9, with early respiratory failure. Last evaluated: 2018-01-12. Review status: criteria provided, single submitter. Criteria: ICSL Variant Classification Criteria 13 December 2019. Collection method: clinical testing. Allele origin: germline.
Comment: the same text as in the submission from Illumina Laboratory Services, Illumina above.

Center for Advanced Laboratory Medicine, UC San Diego Health, University of California San Diego
Classification: Benign for Dilated cardiomyopathy. Last evaluated: 2017-02-28. Review status: criteria provided, single submitter. Criteria: ACMG Guidelines, 2015. Collection method: clinical testing. Allele origin: germline. Affected: yes. Observed: 1 variant allele.

GeneDx
Classification: Benign. Last evaluated: 2016-02-08. Review status: criteria provided, single submitter. Criteria: GeneDx Variant Classification (06012015). Collection method: clinical testing. Allele origin: germline. Affected: yes.
Comment: This variant is considered likely benign or benign based on one or more of the following criteria: it is a conservative change, it occurs at a poorly conserved position in the protein, it is predicted to be benign by multiple in silico algorithms, and/or has population frequency not consistent with disease.

Eurofins Ntd Llc (ga)
Classification: Benign. Last evaluated: 2015-09-01. Review status: criteria provided, single submitter. Criteria: EGL Classification Definitions 2015. Collection method: clinical testing. Allele origin: germline. Observed: 1 variant allele, 1 heterozygote.

Laboratory for Molecular Medicine, Mass General Brigham Personalized Medicine
Classification: Benign. Last evaluated: 2015-02-25. Review status: criteria provided, single submitter. Criteria: LMM Criteria. Collection method: clinical testing. Allele origin: germline. Observed: 15 variant alleles.
Comment: p.Glu10221Asp in exon 145 of TTN: This variant is not expected to have clinical significance because it has been identified in 2.4% (384/15980) of South Asian c hromosomes by the Exome Aggregation Consortium (ExAC .org; dbSNP rs140640738).

Genetic Services Laboratory, University of Chicago
Classification: Uncertain significance. Last evaluated: 2014-03-17. Review status: criteria provided, single submitter. Criteria: ACMG Guidelines, 2007. Collection method: clinical testing. Allele origin: germline.

Biesecker Lab/Clinical Genomics Section, National Institutes of Health
Classification: Likely benign. Last evaluated: 2013-06-24. Review status: criteria provided, single submitter. Criteria: Ng et al. (Circ Cardiovasc Genet. 2013). Collection method: research. Allele origin: unknown. Observed: 2 variant alleles. Study: ClinSeq.
Comment: The study set was not selected for affection status in relation to any cancer. Pathogenicity categories were based on literature curation. See Pubmed ID:23861362 for details.

Medical sequencing

Clinical Genetics DNA and cytogenetics Diagnostics Lab, Erasmus MC, Erasmus Medical Center
Classification: Likely benign. Review status: no assertion criteria provided. Collection method: clinical testing. Allele origin: germline. Affected: yes. Study: VKGL Data-share Consensus. Not counted in ClinVar's aggregate classification.

Clinical Genetics, Academic Medical Center
Classification: Benign. Review status: no assertion criteria provided. Collection method: clinical testing. Allele origin: germline. Affected: yes. Study: VKGL Data-share Consensus. Not counted in ClinVar's aggregate classification.

Diagnostic Laboratory, Department of Genetics, University Medical Center Groningen
Classification: Likely benign. Review status: no assertion criteria provided. Collection method: clinical testing. Allele origin: germline. Affected: yes. Study: VKGL Data-share Consensus. Not counted in ClinVar's aggregate classification.

Joint Genome Diagnostic Labs from Nijmegen and Maastricht, Radboudumc and MUMC+
Classification: Benign. Review status: no assertion criteria provided. Collection method: clinical testing. Allele origin: germline. Affected: yes. Study: VKGL Data-share Consensus. Not counted in ClinVar's aggregate classification.

Laboratory of Diagnostic Genome Analysis, Leiden University Medical Center (LUMC)
Classification: Likely benign. Review status: no assertion criteria provided. Collection method: clinical testing. Allele origin: germline. Affected: yes. Study: VKGL Data-share Consensus. Not counted in ClinVar's aggregate classification.

NM_001267550.2(TTN):c.34566A>C (p.Glu11522Asp)

Gene: TTN (titin; minus strand). Cytogenetic location: 2q31.2.
Variant type: single nucleotide variant.
Coding change: c.34566A>C on transcript NM_001267550.2 (MANE Select); coding-DNA position 34566, A replaced by C.
Protein change: p.Glu11522Asp; replaces glutamic acid 11522 with aspartic acid.
Molecular consequence: missense variant. On other transcripts: intron variant (3).
Genome position (GRCh38, 1-based): chr2:178,675,085, T>G on the plus strand (A>C on the coding strand, the complement: TTN is on the minus strand). VCF-style: chr2-178675085-T-G. GRCh37 (hg19) VCF-style: chr2-179539812-T-G.
Other names: p.E11148D:GAA>GAC; p.Glu11148Asp; c.33444A>C, p.Glu11148Asp (NM_001256850.1); c.30663A>C, p.Glu10221Asp (NM_133378.4); c.13283-32768A>C (NM_003319.4); c.13859-32768A>C (NM_133437.4); c.13658-32768A>C (NM_133432.3); short protein forms E11522D, E10221D, E11148D.
Identifiers: ClinVar variation 46904 (VCV000046904.51), dbSNP rs140640738, ClinGen allele CA139474.